The following is an entry in ClinVar:

NM_000260.4(MYO7A):c.4108_4111del (p.Gln1370fs)

Gene: MYO7A (myosin VIIA; plus strand). Cytogenetic location: 11q13.5.
Variant type: Deletion.
Coding change: c.4108_4111del on transcript NM_000260.4 (MANE Select); coding-DNA positions 4108 to 4111, 4 bases deleted (CAGG; older notation c.4108_4111delCAGG).
Protein change: p.Gln1370fs; shifts the reading frame from glutamine 1370.
Molecular consequence: frameshift variant.
Genome position (GRCh38, 1-based): chr11:77,192,234-77,192,237, CAGG deleted; deleting any 4 consecutive bases within chr11:77,192,233-77,192,237 gives the same sequence; the c. name uses the placement nearest the transcript's 3' end. VCF-style (leftmost placement, unchanged base first): chr11-77192232-AGCAG-A. GRCh37 (hg19) VCF-style: chr11-76903277-AGCAG-A.
Other names: c.4108_4111del, p.Gln1370fs (NM_001127180.2); c.4075_4078del, p.Gln1359fs (NM_001369365.1); c.4108_4111del (NM_000260.3); short protein forms Q1359fs, Q1370fs.
Identifiers: ClinVar variation 557834 (VCV000557834.9), dbSNP rs1480697910, ClinGen allele CA658822312.

ClinVar aggregate classification (germline): Pathogenic. Review status: criteria provided, single submitter (1 of 4 stars). 2 submissions from 2 submitters: Pathogenic (1). 1 of the submissions does not count toward it. Last evaluated 2022-04-09.

Conditions:
Autosomal recessive nonsyndromic hearing loss 2. Also called: DEAFNESS, AUTOSOMAL RECESSIVE 2; NEUROSENSORY NONSYNDROMIC RECESSIVE DEAFNESS 2. Identifiers: Orphanet 90636, MedGen C1838701, MONDO:0010807, OMIM 600060.
Usher syndrome type 1 (USH1). Also called: RETINITIS PIGMENTOSA AND CONGENITAL DEAFNESS. Identifiers: Orphanet 231169, Orphanet 886, MedGen C1568247, MONDO:0010168, OMIM 276900.

Submissions (2):

Labcorp Genetics (formerly Invitae), Labcorp
Classification: Pathogenic. Last evaluated: 2022-04-09. Review status: criteria provided, single submitter. Criteria: Invitae Variant Classification Sherloc (09022015). Collection method: clinical testing. Allele origin: germline.
Comment: This variant has not been reported in the literature in individuals affected with MYO7A-related conditions. This variant is not present in population databases (gnomAD no frequency). This sequence change creates a premature translational stop signal (p.Gln1370Trpfs*28) in the MYO7A gene. It is expected to result in an absent or disrupted protein product. Loss-of-function variants in MYO7A are known to be pathogenic (PMID: 8900236, 25404053). ClinVar contains an entry for this variant (Variation ID: 557834). For these reasons, this variant has been classified as Pathogenic. Algorithms developed to predict the effect of sequence changes on RNA splicing suggest that this variant may create or strengthen a splice site.

Counsyl
Classification: Likely pathogenic for Usher syndrome type 1; Autosomal recessive nonsyndromic hearing loss 2. Last evaluated: 2018-04-10. Review status: no assertion criteria provided. Collection method: clinical testing. Allele origin: unknown. Not counted in ClinVar's aggregate classification.

Literature cited by the submitters: PubMed 8900236 (cited by Labcorp Genetics (formerly Invitae), Labcorp); PubMed 25404053 (cited by Labcorp Genetics (formerly Invitae), Labcorp).